The following is an entry in ClinVar:

NM_005219.5(DIAPH1):c.-3G>C

Gene: DIAPH1 (diaphanous related formin 1; minus strand). Cytogenetic location: 5q31.3.
Variant type: single nucleotide variant.
Coding change: c.-3G>C on transcript NM_005219.5 (MANE Select); 3 bases upstream of the start codon, G replaced by C.
Molecular consequence: 5 prime UTR variant.
Genome position (GRCh38, 1-based): chr5:141,618,917, C>G on the plus strand (G>C on the coding strand, the complement: DIAPH1 is on the minus strand). VCF-style: chr5-141618917-C-G. GRCh37 (hg19) VCF-style: chr5-140998484-C-G.
Other names: c.-3G>C (NM_001079812.3, NM_001314007.2).
Identifiers: ClinVar variation 1191249 (VCV001191249.4), dbSNP rs755880347, ClinGen allele CA3479718.

ClinVar aggregate classification (germline): Uncertain significance (1 of 4 stars; one submission).

Allele frequency attached by ClinVar (database versions not stated): ExAC 0.00009; gnomAD 0.00011; TOPMed 0.00014.
gnomAD v4.1: 307 of 1,497,546 alleles (0.021%); highest among the groups gnomAD compares: Non-Finnish European, 0.025%; no homozygotes.

Submission:

GeneDx
Classification: Uncertain significance. Last evaluated: 2022-01-10. Review status: criteria provided, single submitter. Criteria: GeneDx Variant Classification Process June 2021. Collection method: clinical testing. Allele origin: germline. Affected: yes.
Comment: In silico analysis supports that this variant does not alter protein structure/function; Located in a region that tolerates variation and lacks pathogenic variants; Has not been previously published as pathogenic or benign to our knowledge